The following is an entry in ClinVar:

ClinVar aggregate classification (germline): Uncertain significance (1 of 4 stars; one submission).

Conditions:
Joubert syndrome 23 (JBTS23). Identifiers: Orphanet 475, MedGen C4084822, MONDO:0014664, OMIM 616490.
Short-rib thoracic dysplasia 14 with polydactyly (SRTD14). Identifiers: Orphanet 397715, MedGen C4225286, MONDO:0014688, OMIM 616546.

Allele frequency attached by ClinVar (database versions not stated): gnomAD exomes below 0.00001; TOPMed below 0.00001; ExAC 0.00002.

Submission:

Labcorp Genetics (formerly Invitae), Labcorp
Classification: Uncertain significance for Joubert syndrome 23; Short-rib thoracic dysplasia 14 with polydactyly. Last evaluated: 2023-06-13. Review status: criteria provided, single submitter. Criteria: Invitae Variant Classification Sherloc (09022015). Collection method: clinical testing. Allele origin: germline.
Comment: This sequence change replaces valine, which is neutral and non-polar, with alanine, which is neutral and non-polar, at codon 1104 of the KIAA0586 protein (p.Val1104Ala). This variant is present in population databases (rs778193380, gnomAD 0.002%). This variant has not been reported in the literature in individuals affected with KIAA0586-related conditions. ClinVar contains an entry for this variant (Variation ID: 2417304). Advanced modeling of protein sequence and biophysical properties (such as structural, functional, and spatial information, amino acid conservation, physicochemical variation, residue mobility, and thermodynamic stability) performed at Invitae indicates that this missense variant is expected to disrupt KIAA0586 protein function. In summary, the available evidence is currently insufficient to determine the role of this variant in disease. Therefore, it has been classified as a Variant of Uncertain Significance.

NM_001329943.3(KIAA0586):c.3152T>C (p.Val1051Ala)

Gene: KIAA0586 (KIAA0586; plus strand). Cytogenetic location: 14q23.1.
Variant type: single nucleotide variant.
Coding change: c.3152T>C on transcript NM_001329943.3 (MANE Select); coding-DNA position 3152, T replaced by C.
Protein change: p.Val1051Ala; replaces valine 1051 with alanine.
Molecular consequence: missense variant.
Genome position (GRCh38, 1-based): chr14:58,487,014, T>C. VCF-style: chr14-58487014-T-C. GRCh37 (hg19) VCF-style: chr14-58953732-T-C.
Other names: c.3311T>C, p.Val1104Ala (NM_001244189.2); c.3107T>C, p.Val1036Ala (NM_001244190.2); c.2897T>C, p.Val966Ala (NM_001244191.2, NM_001329945.2, NM_001364700.1 and 1 more transcripts); c.3020T>C, p.Val1007Ala (NM_001244192.2); c.2732T>C, p.Val911Ala (NM_001244193.2); c.3152T>C, p.Val1051Ala (NM_001329944.2, NM_001329946.2, NM_001329947.2); c.2924T>C, p.Val975Ala (NM_014749.5); short protein forms V1007A, V1036A, V1051A, V1104A, V911A, V966A, V975A.
Identifiers: ClinVar variation 2417304 (VCV002417304.6), dbSNP rs778193380, ClinGen allele CA7206079.